The following is an entry in ClinVar:

ClinVar aggregate classification (germline): Pathogenic. Review status: no assertion criteria provided (0 of 4 stars). 2 submissions from 2 submitters: Pathogenic (2). Last evaluated 2012-05-10.

Conditions:
Interstitial lung disease 2 (ILD2). Also called: FIBROCYSTIC PULMONARY DYSPLASIA; FIBROSING ALVEOLITIS, CRYPTOGENIC; Familial idiopathic pulmonary fibrosis. Identifiers: Orphanet 2032, Orphanet 79126, MedGen C5561926, MONDO:0800497, OMIM 178500, MONDO:0800029.
Pulmonary fibrosis and/or bone marrow failure, Telomere-related, 2. Also called: PULMONARY FIBROSIS AND/OR BONE MARROW FAILURE SYNDROME, TELOMERE-RELATED, 2. Identifiers: Orphanet 88, MedGen C3553622, MONDO:0013879, OMIM 614743.

Submissions (2):

GeneReviews
Classification: Pathogenic for Dyskeratosis Congenita. Last evaluated: 2012-05-10. Review status: no assertion criteria provided. Collection method: curation. Allele origin: unknown.
ClinVar note: Converted during submission from pathologic to Pathogenic.

OMIM
Classification: Pathogenic for PULMONARY FIBROSIS AND BONE MARROW FAILURE SYNDROME, TELOMERE-RELATED, 2. Last evaluated: 2007-03-29. Review status: no assertion criteria provided. Collection method: literature only. Allele origin: germline.

Literature cited by the submitters: PubMed 17392301 (cited by OMIM).

NR_001566.3(TERC):n.98G>A

Genes: TERC (telomerase RNA component; minus strand), LOC110806306 (telomerase RNA component (TERC) promoter; plus strand). Cytogenetic location: 3q26.2.
Variant type: single nucleotide variant.
Genome position: GRCh38 VCF-style: chr3-169764963-C-T. GRCh37 (hg19) VCF-style: chr3-169482751-C-T.
Other names: 98G-A; NR_001566.1:r.98g>a (G98A).
Identifiers: ClinVar variation 7327 (VCV000007327.4), dbSNP rs199422268, ClinGen allele CA118717.